The following is an entry in ClinVar:

NM_001394998.1(TANC2):c.2621A>G (p.Gln874Arg)

Gene: TANC2 (tetratricopeptide repeat, ankyrin repeat and coiled-coil containing 2; plus strand). Cytogenetic location: 17q23.3.
Variant type: single nucleotide variant.
Coding change: c.2621A>G on transcript NM_001394998.1 (MANE Select); coding-DNA position 2621, A replaced by G.
Protein change: p.Gln874Arg; replaces glutamine 874 with arginine.
Molecular consequence: missense variant.
Genome position (GRCh38, 1-based): chr17:63,379,756, A>G. VCF-style: chr17-63379756-A-G. GRCh37 (hg19) VCF-style: chr17-61457117-A-G.
Other names: c.2399A>G, p.Gln800Arg (NM_001411076.1, NM_025185.4); short protein forms Q800R, Q874R.
Identifiers: ClinVar variation 2631413 (VCV002631413.1), dbSNP rs1461430188, ClinGen allele CA400529653.

ClinVar aggregate classification (germline): Uncertain significance (1 of 4 stars; one submission).

Conditions:
TANC2-related disorder. Also called: TANC2-related condition.

Allele frequency attached by ClinVar (database versions not stated): gnomAD exomes below 0.00001; TOPMed below 0.00001.
gnomAD v4.1: 4 of 1,613,114 alleles (0.00025%); highest among the groups gnomAD compares: Admixed American, 0.0033%; no homozygotes.

Submission:

PreventionGenetics, part of Exact Sciences
Classification: Uncertain significance for TANC2-related condition. Last evaluated: 2023-06-29. Review status: criteria provided, single submitter. Criteria: ACMG Guidelines, 2015. Collection method: clinical testing. Allele origin: germline.
Comment: The TANC2 c.2399A>G variant is predicted to result in the amino acid substitution p.Gln800Arg. To our knowledge, this variant has not been reported in the literature. This variant is reported in 0.0029% of alleles in individuals of Latino descent in gnomAD. At this time, the clinical significance of this variant is uncertain due to the absence of conclusive functional and genetic evidence.